The following is an entry in ClinVar:

ClinVar aggregate classification (germline): Uncertain significance (1 of 4 stars; one submission).

Conditions:
Hereditary cancer-predisposing syndrome. Also called: Tumor predisposition; Hereditary Cancer Syndrome; Hereditary neoplastic syndrome; Neoplastic Syndromes, Hereditary. Identifiers: Orphanet 140162, MedGen C0027672, MeSH D009386, MONDO:0015356.

Submission:

Ambry Genetics
Classification: Uncertain significance for Hereditary cancer-predisposing syndrome. Last evaluated: 2023-06-20. Review status: criteria provided, single submitter. Criteria: Ambry Variant Classification Scheme 2023. Collection method: clinical testing. Allele origin: germline.
Comment: The p.M96I variant (also known as c.288G>A), located in coding exon 2 of the SMARCA4 gene, results from a G to A substitution at nucleotide position 288. The methionine at codon 96 is replaced by isoleucine, an amino acid with highly similar properties. This amino acid position is not well conserved in available vertebrate species. In addition, this alteration is predicted to be tolerated by in silico analysis. Missense and in-frame variants in SMARCA4 are known to cause neurodevelopmental disorders; however, such associations with rhabdoid tumor predisposition syndrome including small cell carcinoma of the ovary-hypercalcemic type (SCCOHT) are exceedingly rare (Kosho T et al. Am J Med Genet C Semin Med Genet. 2014 Sep;166C(3):262-75; Jelinic P et al. Nat Genet. 2014 May;46(5):424-6). Based on the supporting evidence, the association of this alteration with Coffin-Siris syndrome is unknown; however, the association of this alteration with rhabdoid tumor predisposition syndrome is unlikely.

NM_003072.5(SMARCA4):c.288G>A (p.Met96Ile)

Gene: SMARCA4 (SWI/SNF related BAF chromatin remodeling complex subunit ATPase 4; plus strand). Cytogenetic location: 19p13.2.
Variant type: single nucleotide variant.
Coding change: c.288G>A on transcript NM_003072.5 (MANE Select); coding-DNA position 288, G replaced by A.
Protein change: p.Met96Ile; replaces methionine 96 with isoleucine.
Molecular consequence: missense variant. On other transcripts: non-coding transcript variant (1).
Genome position (GRCh38, 1-based): chr19:10,985,338, G>A. VCF-style: chr19-10985338-G-A. GRCh37 (hg19) VCF-style: chr19-11096014-G-A.
Other names: c.288G>A, p.Met96Ile (NM_001128844.3, NM_001128845.2, NM_001128846.2 and 6 more transcripts); short protein forms M96I.
Identifiers: ClinVar variation 2587104 (VCV002587104.2), dbSNP rs2145750592, ClinGen allele CA404055226.